The following is an entry in ClinVar:

ClinVar aggregate classification (germline): Uncertain significance (1 of 4 stars; one submission).

Conditions:
Epileptic encephalopathy. Identifiers: MedGen C0543888, HP:0200134.

Submission:

Labcorp Genetics (formerly Invitae), Labcorp
Classification: Uncertain significance for Epileptic encephalopathy. Last evaluated: 2023-08-17. Review status: criteria provided, single submitter. Criteria: Invitae Variant Classification Sherloc (09022015). Collection method: clinical testing. Allele origin: germline.
Comment: This sequence change replaces alanine, which is neutral and non-polar, with valine, which is neutral and non-polar, at codon 2420 of the FASN protein (p.Ala2420Val). This variant is not present in population databases (gnomAD no frequency). This variant has not been reported in the literature in individuals affected with FASN-related conditions. ClinVar contains an entry for this variant (Variation ID: 1380974). An algorithm developed to predict the effect of missense changes on protein structure and function (PolyPhen-2) suggests that this variant is likely to be disruptive. In summary, the available evidence is currently insufficient to determine the role of this variant in disease. Therefore, it has been classified as a Variant of Uncertain Significance.

NM_004104.5(FASN):c.7259C>T (p.Ala2420Val)

Genes: FASN (fatty acid synthase; minus strand), LOC129390948 (MPRA-validated peak3028 silencer; plus strand). Cytogenetic location: 17q25.3.
Variant type: single nucleotide variant.
Coding change: c.7259C>T on transcript NM_004104.5 (MANE Select); coding-DNA position 7259, C replaced by T.
Protein change: p.Ala2420Val; replaces alanine 2420 with valine.
Molecular consequence: missense variant.
Genome position (GRCh38, 1-based): chr17:82,079,496, G>A on the plus strand (C>T on the coding strand, the complement: FASN is on the minus strand). VCF-style: chr17-82079496-G-A. GRCh37 (hg19) VCF-style: chr17-80037372-G-A.
Other names: short protein forms A2420V.
Identifiers: ClinVar variation 1380974 (VCV001380974.8), dbSNP rs2144777609, ClinGen allele CA401595651.